The following is an entry in ClinVar:

ClinVar aggregate classification (germline): Uncertain significance (1 of 4 stars; one submission).

Submission:

GeneDx
Classification: Uncertain significance. Last evaluated: 2026-06-29. Review status: criteria provided, single submitter. Criteria: GeneDx Variant Classification Process June 2021. Collection method: clinical testing. Allele origin: germline.
Comment: Not observed at significant frequency in large population cohorts (gnomAD); In silico analysis supports that this missense variant has a deleterious effect on protein structure/function; Has not been previously published as pathogenic or benign to our knowledge

NM_001349338.3(FOXP1):c.641T>C (p.Leu214Pro)

Gene: FOXP1 (forkhead box P1; minus strand). Cytogenetic location: 3p13.
Variant type: single nucleotide variant.
Coding change: c.641T>C on transcript NM_001349338.3 (MANE Select); coding-DNA position 641, T replaced by C.
Protein change: p.Leu214Pro; replaces leucine 214 with proline.
Molecular consequence: missense variant. On other transcripts: non-coding transcript variant (2).
Genome position (GRCh38, 1-based): chr3:71,046,965, A>G on the plus strand (T>C on the coding strand, the complement: FOXP1 is on the minus strand). VCF-style: chr3-71046965-A-G. GRCh37 (hg19) VCF-style: chr3-71096116-A-G.
Other names: c.641T>C, p.Leu214Pro (NM_001244808.3, NM_001244810.2, NM_001244814.3 and 3 more transcripts); c.413T>C, p.Leu138Pro (NM_001244812.3); c.341T>C, p.Leu114Pro (NM_001244813.3, NM_001244815.2, NM_001349342.3 and 1 more transcripts); c.338T>C, p.Leu113Pro (NM_001349337.2, NM_001349343.3, NM_001349344.3); c.638T>C, p.Leu213Pro (NM_001349341.3); short protein forms L113P, L114P, L138P, L213P, L214P.
Identifiers: ClinVar variation 4278884 (VCV004278884.2).